The following is an entry in ClinVar:

NM_024596.5(MCPH1):c.233+2T>G

Gene: MCPH1 (microcephalin 1; plus strand). Cytogenetic location: 8p23.1.
Variant type: single nucleotide variant.
Coding change: c.233+2T>G on transcript NM_024596.5 (MANE Select); the canonical splice donor site of the intron after coding-DNA position 233, T replaced by G.
Molecular consequence: splice donor variant.
Genome position (GRCh38, 1-based): chr8:6,414,885, T>G. VCF-style: chr8-6414885-T-G. GRCh37 (hg19) VCF-style: chr8-6272406-T-G.
Other names: c.233+2T>G (NM_001322042.2, NM_001363980.2, NM_001363979.1 and 4 more transcripts); c.227+2T>G (NM_001322043.2); c.131+2T>G (NM_001322045.2).
Identifiers: ClinVar variation 5007324 (VCV005007324.2).
Genomic context (GRCh38, chr8:6,414,885, plus strand): 5'-ACTTGGGACAAAGCTCAGAAGAGAGGCGTAAAGCTCGTTTCGGTGCTCTGGGTGGAAAAG[T>G]AAGCAGTTTCTCTCTTACTTTTTTTCCTTAAGTATCTAGTATTGAAAATGTGTGGAGATA-3'

ClinVar aggregate classification (germline): Likely pathogenic (1 of 4 stars; one submission).

Conditions:
Microcephaly 1, primary, autosomal recessive (MCPH1). Also called: PREMATURE CHROMOSOME CONDENSATION SYNDROME; PCC SYNDROME; PREMATURE CHROMOSOME CONDENSATION WITH MICROCEPHALY AND MENTAL RETARDATION. Identifiers: Orphanet 2512, MedGen C1855081, MONDO:0009617, OMIM 251200.

Submission:

Juno Genomics, Hangzhou Juno Genomics, Inc
Classification: Likely pathogenic for Microcephaly 1, primary, autosomal recessive. Review status: criteria provided, single submitter. Criteria: ACMG Guidelines, 2015. Collection method: clinical testing. Allele origin: germline.
Comment: Null variant in a gene where loss of function (LOF) is a known mechanism of disease.;Absent from controls (or at extremely low frequency if recessive) in Genome Aggregation Database.